The following is an entry in ClinVar:

NM_015268.4(DNAJC13):c.1080G>A (p.Arg360=)

Gene: DNAJC13 (DnaJ heat shock protein family (Hsp40) member C13; plus strand). Cytogenetic location: 3q22.1.
Variant type: single nucleotide variant.
Coding change: c.1080G>A on transcript NM_015268.4 (MANE Select); coding-DNA position 1080, G replaced by A.
Protein change: p.Arg360=; no amino-acid change (arginine 360 retained).
Molecular consequence: synonymous variant.
Genome position (GRCh38, 1-based): chr3:132,456,382, G>A. VCF-style: chr3-132456382-G-A. GRCh37 (hg19) VCF-style: chr3-132175226-G-A.
Other names: c.1080G>A, p.Arg360= (NM_001329126.2).
Identifiers: ClinVar variation 3052589 (VCV003052589.2), dbSNP rs369628764, ClinGen allele CA2618598.

ClinVar aggregate classification (germline): Likely benign (0 of 4 stars; one submission).

Conditions:
DNAJC13-related disorder. Also called: DNAJC13-related condition.

Allele frequency attached by ClinVar (database versions not stated): gnomAD 0.00007; TOPMed 0.00007; ESP Exome Variant Server 0.00008; gnomAD exomes 0.00011; ExAC 0.00013.
gnomAD v4.1: 170 of 1,613,054 alleles (0.011%); highest among the groups gnomAD compares: Non-Finnish European, 0.013%; no homozygotes.

Submission:

PreventionGenetics, part of Exact Sciences
Classification: Likely benign for DNAJC13-related condition. Last evaluated: 2019-08-27. Review status: no assertion criteria provided. Collection method: clinical testing. Allele origin: germline.
Comment: This variant is classified as likely benign based on ACMG/AMP sequence variant interpretation guidelines (Richards et al. 2015 PMID: 25741868, with internal and published modifications).